The following is an entry in ClinVar:

NM_001845.6(COL4A1):c.2717-14_2717-9del

Gene: COL4A1 (collagen type IV alpha 1 chain; minus strand). Cytogenetic location: 13q34.
Variant type: Deletion.
Coding change: c.2717-14_2717-9del on transcript NM_001845.6 (MANE Select); 14 bases into the intron before coding-DNA position 2717 through 9 bases into the intron before coding-DNA position 2717, 6 bases deleted (TCTTTC; older notation c.2717-14_2717-9delTCTTTC).
Molecular consequence: intron variant.
Genome position (GRCh38, 1-based): chr13:110,177,046-110,177,051, GAAAGA deleted on the plus strand (TCTTTC on the coding strand, the reverse complement: COL4A1 is on the minus strand); deleting any 6 consecutive bases within chr13:110,177,046-110,177,054 gives the same sequence; the c. name uses the placement nearest the transcript's 3' end. VCF-style (leftmost placement, unchanged base first): chr13-110177045-GGAAAGA-G. GRCh37 (hg19) VCF-style: chr13-110829392-GGAAAGA-G.
Identifiers: ClinVar variation 3690095 (VCV003690095.2).

ClinVar aggregate classification (germline): Uncertain significance (1 of 4 stars; one submission).

Submission:

Labcorp Genetics (formerly Invitae), Labcorp
Classification: Uncertain significance. Last evaluated: 2024-08-13. Review status: criteria provided, single submitter. Criteria: Invitae Variant Classification Sherloc (09022015). Collection method: clinical testing. Allele origin: germline.
Comment: This sequence change falls in intron 33 of the COL4A1 gene. It does not directly change the encoded amino acid sequence of the COL4A1 protein. This variant is not present in population databases (gnomAD no frequency). This variant has not been reported in the literature in individuals affected with COL4A1-related conditions. Algorithms developed to predict the effect of sequence changes on RNA splicing suggest that this variant may disrupt the consensus splice site. In summary, the available evidence is currently insufficient to determine the role of this variant in disease. Therefore, it has been classified as a Variant of Uncertain Significance.